The following is an entry in ClinVar:

NM_006662.3(SRCAP):c.8737A>G (p.Ile2913Val)

Gene: SRCAP (Snf2 related CREBBP activator protein; plus strand). Cytogenetic location: 16p11.2.
Variant type: single nucleotide variant.
Coding change: c.8737A>G on transcript NM_006662.3 (MANE Select); coding-DNA position 8737, A replaced by G.
Protein change: p.Ile2913Val; replaces isoleucine 2913 with valine.
Molecular consequence: missense variant.
Genome position (GRCh38, 1-based): chr16:30,738,777, A>G. VCF-style: chr16-30738777-A-G. GRCh37 (hg19) VCF-style: chr16-30750098-A-G.
Other names: short protein forms I2913V.
Identifiers: ClinVar variation 3631503 (VCV003631503.2).

ClinVar aggregate classification (germline): Uncertain significance (1 of 4 stars; one submission).

Submission:

Labcorp Genetics (formerly Invitae), Labcorp
Classification: Uncertain significance. Last evaluated: 2024-12-03. Review status: criteria provided, single submitter. Criteria: Invitae Variant Classification Sherloc (09022015). Collection method: clinical testing. Allele origin: germline.
Comment: This sequence change replaces isoleucine, which is neutral and non-polar, with valine, which is neutral and non-polar, at codon 2913 of the SRCAP protein (p.Ile2913Val). This variant is not present in population databases (gnomAD no frequency). This variant has not been reported in the literature in individuals affected with SRCAP-related conditions. Invitae Evidence Modeling of protein sequence and biophysical properties (such as structural, functional, and spatial information, amino acid conservation, physicochemical variation, residue mobility, and thermodynamic stability) indicates that this missense variant is not expected to disrupt SRCAP protein function with a negative predictive value of 80%. In summary, the available evidence is currently insufficient to determine the role of this variant in disease. Therefore, it has been classified as a Variant of Uncertain Significance.